The following is an entry in ClinVar:

NM_020911.2(PLXNA4):c.2011C>A (p.Arg671Ser)

Gene: PLXNA4 (plexin A4; minus strand). Cytogenetic location: 7q32.3.
Variant type: single nucleotide variant.
Coding change: c.2011C>A on transcript NM_020911.2 (MANE Select); coding-DNA position 2011, C replaced by A.
Protein change: p.Arg671Ser; replaces arginine 671 with serine.
Molecular consequence: missense variant.
Genome position (GRCh38, 1-based): chr7:132,223,613, G>T on the plus strand (C>A on the coding strand, the complement: PLXNA4 is on the minus strand). VCF-style: chr7-132223613-G-T. GRCh37 (hg19) VCF-style: chr7-131908372-G-T.
Other names: c.2011C>A, p.Arg671Ser (NM_001393897.1); short protein forms R671S.
Identifiers: ClinVar variation 3345862 (VCV003345862.1).

ClinVar aggregate classification (germline): Uncertain significance (0 of 4 stars; one submission).

Conditions:
PLXNA4-related disorder. Also called: PLXNA4-related condition.

gnomAD v4.1: 1 of 1,613,690 alleles (0.000062%); highest among the groups gnomAD compares: Non-Finnish European, 0.000085%; no homozygotes.

Submission:

PreventionGenetics, part of Exact Sciences
Classification: Uncertain significance for PLXNA4-related condition. Last evaluated: 2024-05-09. Review status: no assertion criteria provided. Collection method: clinical testing. Allele origin: germline.
Comment: The PLXNA4 c.2011C>A variant is predicted to result in the amino acid substitution p.Arg671Ser. To our knowledge, this variant has not been reported in the literature. This variant is reported in 0.0027% of alleles in individuals of European (Non-Finnish) descent in gnomAD. At this time, the clinical significance of this variant is uncertain due to the absence of conclusive functional and genetic evidence.